The following is an entry in ClinVar:

NM_001271696.3(ABCB7):c.404A>C (p.Asp135Ala)

Gene: ABCB7 (ATP binding cassette subfamily B member 7; minus strand). Cytogenetic location: Xq13.3.
Variant type: single nucleotide variant.
Coding change: c.404A>C on transcript NM_001271696.3 (MANE Select); coding-DNA position 404, A replaced by C.
Protein change: p.Asp135Ala; replaces aspartic acid 135 with alanine.
Molecular consequence: missense variant. On other transcripts: intron variant (2).
Genome position (GRCh38, 1-based): chrX:75,098,991, T>G on the plus strand (A>C on the coding strand, the complement: ABCB7 is on the minus strand). VCF-style: chrX-75098991-T-G. GRCh37 (hg19) VCF-style: chrX-74318826-T-G.
Other names: c.326A>C, p.Asp109Ala (NM_001271698.3); c.407A>C, p.Asp136Ala (NM_004299.6); c.333+13895A>C (NM_001271697.3); c.336+13895A>C (NM_001271699.3); short protein forms D109A, D135A, D136A.
Identifiers: ClinVar variation 4776109 (VCV004776109.1).

ClinVar aggregate classification (germline): Uncertain significance (1 of 4 stars; one submission).

Submission:

Labcorp Genetics (formerly Invitae), Labcorp
Classification: Uncertain significance. Last evaluated: 2026-01-02. Review status: criteria provided, single submitter. Criteria: Invitae Variant Classification Sherloc (09022015). Collection method: clinical testing. Allele origin: germline.
Comment: This sequence change replaces aspartic acid, which is acidic and polar, with alanine, which is neutral and non-polar, at codon 136 of the ABCB7 protein (p.Asp136Ala). This variant is not present in population databases (gnomAD no frequency). This variant has not been reported in the literature in individuals affected with ABCB7-related conditions. An algorithm developed to predict the effect of missense changes on protein structure and function (PolyPhen-2) suggests that this variant is likely to be tolerated. In summary, the available evidence is currently insufficient to determine the role of this variant in disease. Therefore, it has been classified as a Variant of Uncertain Significance.